The following is an entry in ClinVar:

ClinVar aggregate classification (germline): Uncertain significance. Review status: criteria provided, multiple submitters, no conflicts (2 of 4 stars). 3 submissions from 3 submitters: Uncertain significance (3). Last evaluated 2026-09-23.

Conditions:
ALG12-congenital disorder of glycosylation (CDG1G). Also called: CDG Ig; ALG12-CDG; Congenital disorder of glycosylation, type Ig. Identifiers: Orphanet 79324, MedGen C2931001, MONDO:0011783, OMIM 607143.

Allele frequency attached by ClinVar (database versions not stated): gnomAD exomes 0.00001 and below 0.00001; gnomAD 0.00002; TOPMed 0.00004.

Submissions (3):

GeneDx
Classification: Uncertain significance. Last evaluated: 2026-09-23. Review status: criteria provided, single submitter. Criteria: GeneDx Variant Classification Process June 2021. Collection method: clinical testing. Allele origin: germline.
Comment: Identified in an individual with abnormal transferrin electrophoresis from a cohort of patients with reported inborn errors of metabolism; however a second variant was not reported and additional clinical information was not provided (PMID: 36468010); In silico analysis supports that this missense variant has a deleterious effect on protein structure/function; Not observed at significant frequency in large population cohorts (gnomAD); This variant is associated with the following publications: (PMID: 36468010)

Labcorp Genetics (formerly Invitae), Labcorp
Classification: Uncertain significance for ALG12-congenital disorder of glycosylation. Last evaluated: 2021-10-20. Review status: criteria provided, single submitter. Criteria: Invitae Variant Classification Sherloc (09022015). Collection method: clinical testing. Allele origin: germline.
Comment: This sequence change replaces alanine with threonine at codon 179 of the ALG12 protein (p.Ala179Thr). The alanine residue is weakly conserved and there is a small physicochemical difference between alanine and threonine. This variant is not present in population databases (ExAC no frequency). This variant has not been reported in the literature in individuals affected with ALG12-related conditions. Algorithms developed to predict the effect of missense changes on protein structure and function output the following: SIFT: "Tolerated"; PolyPhen-2: "Benign"; Align-GVGD: "Class C0". The threonine amino acid residue is found in multiple mammalian species, which suggests that this missense change does not adversely affect protein function. In summary, the available evidence is currently insufficient to determine the role of this variant in disease. Therefore, it has been classified as a Variant of Uncertain Significance.

Breakthrough Genomics
Classification: Uncertain significance. Review status: criteria provided, single submitter. Criteria: ACMG Guidelines, 2015. Collection method: not provided. Allele origin: germline. Inheritance: Autosomal dominant inheritance. Affected: yes.

NM_024105.4(ALG12):c.535G>A (p.Ala179Thr)

Gene: ALG12 (ALG12 alpha-1,6-mannosyltransferase; minus strand). Cytogenetic location: 22q13.33.
Variant type: single nucleotide variant.
Coding change: c.535G>A on transcript NM_024105.4 (MANE Select); coding-DNA position 535, G replaced by A.
Protein change: p.Ala179Thr; replaces alanine 179 with threonine.
Molecular consequence: missense variant.
Genome position (GRCh38, 1-based): chr22:49,910,023, C>T on the plus strand (G>A on the coding strand, the complement: ALG12 is on the minus strand). VCF-style: chr22-49910023-C-T. GRCh37 (hg19) VCF-style: chr22-50303671-C-T.
Other names: short protein forms A179T.
Identifiers: ClinVar variation 1195400 (VCV001195400.7), dbSNP rs952664215, ClinGen allele CA325427932.